The following is an entry in ClinVar:

NM_000237.3(LPL):c.1406C>T (p.Ser469Phe)

Gene: LPL (lipoprotein lipase; plus strand). Cytogenetic location: 8p21.3.
Variant type: single nucleotide variant.
Coding change: c.1406C>T on transcript NM_000237.3 (MANE Select); coding-DNA position 1406, C replaced by T.
Protein change: p.Ser469Phe; replaces serine 469 with phenylalanine.
Molecular consequence: missense variant.
Genome position (GRCh38, 1-based): chr8:19,962,198, C>T. VCF-style: chr8-19962198-C-T. GRCh37 (hg19) VCF-style: chr8-19819709-C-T.
Other names: short protein forms S469F.
Identifiers: ClinVar variation 3230719 (VCV003230719.1), dbSNP rs2070045584, ClinGen allele CA370639122.
Genomic context (GRCh38, chr8:19,962,198, plus strand): 5'-AAGTGTCTCATTTGCAGAAAGGAAAGGCACCTGCGGTATTTGTGAAATGCCATGACAAGT[C>T]TCTGAATAAGAAGTCAGGCTGGTGAGCATTCTGGGCTAAAGCTGACTGGGCATCCTGAGC-3'
Protein context (NP_000228.1, residues 459-475): PAVFVKCHDK[Ser469Phe]LNKKSG

ClinVar aggregate classification (germline): Uncertain significance (1 of 4 stars; one submission).

Conditions:
Cardiovascular phenotype. Identifiers: MedGen CN230736.

Allele frequency attached by ClinVar (database versions not stated): gnomAD exomes below 0.00001; TOPMed below 0.00001.
gnomAD v4.1: 4 of 1,613,680 alleles (0.00025%); highest among the groups gnomAD compares: Non-Finnish European, 0.00034%; no homozygotes.

Submission:

Ambry Genetics
Classification: Uncertain significance for Cardiovascular phenotype. Last evaluated: 2024-02-12. Review status: criteria provided, single submitter. Criteria: Ambry Variant Classification Scheme 2023. Collection method: clinical testing. Allele origin: germline.
Comment: The p.S469F variant (also known as c.1406C>T), located in coding exon 9 of the LPL gene, results from a C to T substitution at nucleotide position 1406. The serine at codon 469 is replaced by phenylalanine, an amino acid with highly dissimilar properties. This amino acid position is conserved. In addition, the in silico prediction for this alteration is inconclusive. Based on the available evidence, the clinical significance of this alteration remains unclear.